The following is an entry in ClinVar:

ClinVar aggregate classification (germline): Uncertain significance (1 of 4 stars; one submission).

Conditions:
Cardiovascular phenotype. Identifiers: MedGen CN230736.

Submission:

Ambry Genetics
Classification: Uncertain significance for Cardiovascular phenotype. Last evaluated: 2025-04-14. Review status: criteria provided, single submitter. Criteria: Ambry Variant Classification Scheme 2023. Collection method: clinical testing. Allele origin: germline.
Comment: The p.V256I variant (also known as c.766G>A), located in coding exon 5 of the GLA gene, results from a G to A substitution at nucleotide position 766. The valine at codon 256 is replaced by isoleucine, an amino acid with highly similar properties. This variant was reported in individual(s) with features consistent with hypertrophic cardiomyopathy (Ambry internal data). This amino acid position is poorly conserved in available vertebrate species. In addition, this alteration is predicted to be tolerated by in silico analysis. Based on the available evidence, the clinical significance of this variant remains unclear.

NM_000169.3(GLA):c.766G>A (p.Val256Ile)

Genes: GLA (galactosidase alpha; minus strand), RPL36A-HNRNPH2 (RPL36A-HNRNPH2 readthrough; plus strand). Cytogenetic location: Xq22.1.
Variant type: single nucleotide variant.
Coding change: c.766G>A on transcript NM_000169.3 (MANE Select); coding-DNA position 766, G replaced by A.
Protein change: p.Val256Ile; replaces valine 256 with isoleucine.
Molecular consequence: missense variant. On other transcripts: non-coding transcript variant (3), intron variant (2).
Genome position (GRCh38, 1-based): chrX:101,398,820, C>T on the plus strand (G>A on the coding strand, the complement: GLA is on the minus strand). VCF-style: chrX-101398820-C-T. GRCh37 (hg19) VCF-style: chrX-100653808-C-T.
Other names: c.889G>A, p.Val297Ile (NM_001406747.1); c.766G>A, p.Val256Ile (NM_001406748.1); c.300+3363C>T (NM_001199973.2); c.177+6998C>T (NM_001199974.2); short protein forms V297I, V256I.
Identifiers: ClinVar variation 4029997 (VCV004029997.1).